The following is an entry in ClinVar:

ClinVar aggregate classification (germline): Uncertain significance (1 of 4 stars; one submission).

Conditions:
Gamma-aminobutyric acid transaminase deficiency (GABATD). Also called: GABA transaminase deficiency; Gamma aminobutyrate transaminase deficiency; 4 alpha aminobutyrate transaminase deficiency; GABA aminotransaminase deficiency. Identifiers: Orphanet 2066, MedGen C0342708, MONDO:0013166, OMIM 613163.

Submission:

Labcorp Genetics (formerly Invitae), Labcorp
Classification: Uncertain significance for Gamma-aminobutyric acid transaminase deficiency. Last evaluated: 2019-04-25. Review status: criteria provided, single submitter. Criteria: Invitae Variant Classification Sherloc (09022015). Collection method: clinical testing. Allele origin: germline.
Comment: This variant results in a copy number gain of the genomic region encompassing exons 7-16 of the ABAT gene. The 5' boundary is likely confined to intron 6. The 3' end of this event is unknown as it extends beyond the assayed region for this gene and therefore may encompass additional genes. As the precise location of this event is unknown, it may be in tandem or it may be located elsewhere in the genome. This variant has not been reported in the literature in individuals with ABAT-related conditions. Experimental studies and prediction algorithms are not available for this variant, and the functional significance of the affected amino acid(s) is currently unknown. In summary, the available evidence is currently insufficient to determine the role of this variant in disease. Therefore, it has been classified as a Variant of Uncertain Significance.

NC_000016.10:g.(?_8764059)_(8781430_?)dup

Gene: ABAT (4-aminobutyrate aminotransferase; plus strand). Cytogenetic location: 16p13.2.
Variant type: Duplication.
Identifiers: ClinVar variation 832337 (VCV000832337.2).